The following is an entry in ClinVar:

ClinVar aggregate classification (germline): Benign/Likely benign. Review status: criteria provided, multiple submitters, no conflicts (2 of 4 stars). 3 submissions from 3 submitters: Benign (1); Likely benign (2). Last evaluated 2026-04-13.

Conditions:
VPS13C-related disorder. Also called: VPS13C-related condition.

Allele frequency attached by ClinVar (database versions not stated): gnomAD exomes 0.00010 and 0.00032; ExAC 0.00042; gnomAD 0.00096 and 0.00104; TOPMed 0.00102; ESP Exome Variant Server 0.00139; 1000 Genomes Project 0.00200; 1000 Genomes Project 30x 0.00219.
gnomAD v4.1: 283 of 1,605,670 alleles (0.018%); highest among the groups gnomAD compares: African/African-American, 0.35%; 1 homozygote.

Submissions (3):

PreventionGenetics, part of Exact Sciences
Classification: Likely benign for VPS13C-related condition. Last evaluated: 2026-04-13. Review status: criteria provided, single submitter. Criteria: ACMG Guidelines, 2015. Collection method: clinical testing. Allele origin: germline.
Comment: This variant is classified as likely benign based on ACMG/AMP sequence variant interpretation guidelines (Richards et al. 2015 PMID: 25741868, with internal and published modifications).

Labcorp Genetics (formerly Invitae), Labcorp
Classification: Benign. Last evaluated: 2025-12-22. Review status: criteria provided, single submitter. Criteria: Invitae Variant Classification Sherloc (09022015). Collection method: clinical testing. Allele origin: germline.

CeGaT Center for Human Genetics Tuebingen
Classification: Likely benign. Last evaluated: 2025-05-01. Review status: criteria provided, single submitter. Criteria: CeGaT Center For Human Genetics Tuebingen Variant Classification Criteria Version 2. Collection method: clinical testing. Allele origin: germline. Affected: yes. Observed: 1 variant allele.
Comment: VPS13C: BP4

NM_020821.3(VPS13C):c.7761-6C>T

Gene: VPS13C (vacuolar protein sorting 13 homolog C; minus strand). Cytogenetic location: 15q22.2.
Variant type: single nucleotide variant.
Coding change: c.7761-6C>T on transcript NM_020821.3 (MANE Select); 6 bases into the intron before coding-DNA position 7761, C replaced by T.
Molecular consequence: intron variant.
Genome position (GRCh38, 1-based): chr15:61,917,641, G>A on the plus strand (C>T on the coding strand, the complement: VPS13C is on the minus strand). VCF-style: chr15-61917641-G-A. GRCh37 (hg19) VCF-style: chr15-62209840-G-A.
Other names: c.7632-6C>T (NM_017684.5, NM_018080.4); c.7761-6C>T (NM_001018088.3, NM_020821.2).
Identifiers: ClinVar variation 1564350 (VCV001564350.19), dbSNP rs147110839, ClinGen allele CA7595153.